The following continues an entry in ClinVar:

NM_000059.4(BRCA2):c.3847_3848del (p.Val1283fs)

Gene: BRCA2. ClinVar aggregate classification (germline): Pathogenic. Pathogenic (1).

Submissions 24 to 37 of 65:

Ambry Genetics
Classification: Pathogenic for Hereditary cancer-predisposing syndrome. Last evaluated: 2024-07-29. Review status: criteria provided, single submitter. Criteria: Ambry Variant Classification Scheme 2023. Collection method: clinical testing. Allele origin: germline. Not counted in ClinVar's aggregate classification.
Comment: The c.3847_3848delGT (p.V1283Kfs*2) alteration, located in exon 11 (coding exon 10) of the BRCA2 gene, consists of a deletion of 2 nucleotides from position 3847 to 3848, causing a translational frameshift with a predicted alternate stop codon after 2 amino acids. This alteration is expected to result in loss of function by premature protein truncation or nonsense-mediated mRNA decay. Based on data from gnomAD, this allele has an overall frequency of 0.005% (12/235838) total alleles studied. The highest observed frequency was 0.01% (11/112032) of European (non-Finnish) alleles. This mutation has been detected in numerous families with breast, ovarian, pancreatic, and/or prostate cancer (Tavtigian, 1996; Hahn, 2003; Janaviius, 2010; Zhang, 2011; Kote-Jarai, 2011; Meisel, 2017; El Ansari, 2020; Heramb, 2018). This mutation was also reported in one family diagnosed with familial colorectal cancer type X (FCCX) that had no alteration detected in the mismatch repair (MMR) pathway (Garre, 2015). This variant has been identified in conjunction with another BRCA2 variant in an individual with features consistent with Fanconi anemia (McReynolds, 2021). Of note, this alteration is also designated as 4075delGT in published literature. Based on the available evidence, this alteration is classified as pathogenic.

Department of Clinical Genetics, Copenhagen University Hospital, Rigshospitalet
Classification: Pathogenic for Breast-ovarian cancer, familial, susceptibility to, 2. Last evaluated: 2024-05-27. Review status: criteria provided, single submitter. Criteria: ACMG Guidelines, 2015. Collection method: clinical testing. Allele origin: germline. Affected: yes. Not counted in ClinVar's aggregate classification.
Comment: PVS1; PM2_supporting; PM5_PTC_Strong

Molecular Pathology, Peter Maccallum Cancer Centre
Classification: Pathogenic for Breast-ovarian cancer, familial, susceptibility to, 2. Last evaluated: 2024-04-06. Review status: criteria provided, single submitter. Criteria: ACMG Guidelines, 2015. Collection method: clinical testing. Allele origin: germline. Inheritance: Autosomal dominant inheritance. Not counted in ClinVar's aggregate classification.

Baylor Genetics
Classification: Pathogenic for Familial cancer of breast. Last evaluated: 2024-03-09. Review status: criteria provided, single submitter. Criteria: ACMG Guidelines, 2015. Collection method: clinical testing. Allele origin: unknown. Not counted in ClinVar's aggregate classification.

Fulgent Genetics
Classification: Pathogenic for Familial cancer of breast; Medulloblastoma; Familial prostate cancer; Wilms tumor 1; Fanconi anemia complementation group D1; Breast-ovarian cancer, familial, susceptibility to, 2; Glioma susceptibility 3; Pancreatic cancer, susceptibility to, 2. Last evaluated: 2024-01-27. Review status: criteria provided, single submitter. Criteria: ACMG Guidelines, 2015. Collection method: clinical testing. Allele origin: germline. Not counted in ClinVar's aggregate classification.

Laboratory for Molecular Medicine, Mass General Brigham Personalized Medicine
Classification: Pathogenic for Hereditary breast ovarian cancer syndrome. Last evaluated: 2023-12-19. Review status: criteria provided, single submitter. Criteria: ACMG Guidelines, 2015. Collection method: clinical testing. Allele origin: germline. Inheritance: Autosomal dominant inheritance. Not counted in ClinVar's aggregate classification.
Comment: The p.Val1283LysfsX2 variant in BRCA2 has been reported in >35 individuals with BRCA2-associated cancers (Wang 2012 PMID:21643751, Breast Cancer Information Core (BIC) database). This variant has also been identified in 0.013% (9/67984) of European chromosomes by gnomAD (v3.1.2). This frequency is low enough to be consistent with the frequency of hereditary breast and ovarian cancer (HBOC) in the general population. This variant is predicted to cause a frameshift, which alters the protein’s amino acid sequence beginning at position 1283 and leads to a premature termination codon 2 amino acids downstream. This alteration is then predicted to lead to a truncated or absent protein. Heterozygous loss of function of the BRCA2 gene is an established disease mechanism for HBOC. Additionally, this variant was classified as pathogenic on Apr 22, 2016 by the ClinGen-approved ENIGMA expert panel (Variation ID 37859). In summary, this variant meets criteria to be classified as pathogenic for HBOC in an autosomal dominant manner based upon the predicted impact to the protein. ACMG/AMP criteria applied: PS4, PM2_Supporting, PVS1.

Clinical Genetics Laboratory, Skane University Hospital Lund
Classification: Pathogenic. Last evaluated: 2023-10-24. Review status: criteria provided, single submitter. Criteria: ACMG Guidelines, 2015. Collection method: clinical testing. Allele origin: germline. Affected: yes. Not counted in ClinVar's aggregate classification.

Illumina Laboratory Services, Illumina
Classification: Pathogenic for Breast-ovarian cancer, familial, susceptibility to, 2. Last evaluated: 2023-10-12. Review status: criteria provided, single submitter. Criteria: ICSLVariantClassificationCriteria RUGD 01 April 2020. Collection method: clinical testing. Allele origin: unknown. Not counted in ClinVar's aggregate classification.
Comment: The BRCA2 c.3847_3848del p.(Val1283LysfsTer2) variant causes a shift in the protein reading frame that is predicted to result in premature termination of the protein. Loss of normal protein function through either protein truncation or nonsense-mediated mRNA decay is expected. The c.3847_3848del variant, also referred to as c.4075delGT, is described as one of the 20 most common pathogenic variants in BRCA2, and has been reported in individuals with cancers associated with hereditary breast and ovarian cancer (PMID: 21643751; 8589730; 36367610; 26681312; 33804961; 35171259). The c.3847_3848del variant is reported at a frequency of 0.000132 in the European (non-Finnish) population of the Genome Aggregation Database (version 3.1.2). This variant has been classified as pathogenic by the ENIGMA expert panel in ClinVar. Based on the available evidence, the c.3847_3848del p.(Val1283LysfsTer2) variant is classified as pathogenic for hereditary breast and ovarian cancer.

Quest Diagnostics Nichols Institute San Juan Capistrano
Classification: Pathogenic. Last evaluated: 2023-06-28. Review status: criteria provided, single submitter. Criteria: Quest Diagnostics criteria. Collection method: clinical testing. Allele origin: unknown. Not counted in ClinVar's aggregate classification.
Comment: The BRCA2 c.3847_3848del (p.Val1283Lysfs*2) variant alters the translational reading frame of the BRCA2 mRNA and causes the premature termination of BRCA2 protein synthesis. This variant has been reported in the published literature in multiple individuals and families affected with breast/ovarian cancer (PMIDs: 18489799 (2008), 19016756 (2008), 24156927 (2014), 28324225 (2017), 29752822 (2018), 34657373 (2022)), colorectal cancer (PMID: 29321669 (2018)), pancreatic cancer (PMID: 34399810 (2021)), prostate cancer (PMID: 32853339 (2021)), and rhabdomyosarcoma (PMID: 33372952 (2020)). The frequency of this variant in the general population, 0.000098 (11/112032 chromosomes (Genome Aggregation Database)), is consistent with pathogenicity. Based on the available information, this variant is classified as pathogenic.

KCCC/NGS Laboratory, Kuwait Cancer Control Center
Classification: Pathogenic for Breast-ovarian cancer, familial, susceptibility to, 2. Last evaluated: 2023-06-06. Review status: criteria provided, single submitter. Criteria: ACMG Guidelines, 2015. Collection method: clinical testing. Allele origin: germline. Affected: yes. Not counted in ClinVar's aggregate classification.
Comment: A known pathogenic mutations was detected in the BRCA2 ( c.3847_3848delGT). This sequence change creates a premature translational stop signal (p.Val1283Lysfs*2) in the BRCA2 gene. It is expected to result in an absent or disrupted protein product. This variant is present in population databases (rs746229647, ExAC 0.02%). This variant has been reported in several individuals and families affected with breast, ovarian, and prostate cancer (PMID: 8589730, 21324516, 23199084, 21952622). It was also shown to segregate with disease in a family with colorectal and other cancers (PMID: 24814045). This variant is also known as 4075delGT in the literature. ClinVar contains an entry for this variant (Variation ID: 37859). ClinVar classifies this variant as Pathogenic, 3 stars (expert panel, 39 submissions), citing 22 articles (33372952, 29752822, 29321669, 28324225, 26681312 and 17 more). Loss-of-function variants in BRCA2 are known to be pathogenic (PMID: 20104584). Therefore, this variant has been classified as Pathogenic.

CHEO Genetics Diagnostic Laboratory, Children's Hospital of Eastern Ontario
Classification: Pathogenic for Breast and/or ovarian cancer. Last evaluated: 2023-01-06. Review status: criteria provided, single submitter. Criteria: ACMG Guidelines, 2015. Collection method: clinical testing. Allele origin: germline. Study: Canadian Open Genetics Repository. Not counted in ClinVar's aggregate classification.

Sema4
Classification: Pathogenic for Hereditary cancer-predisposing syndrome. Last evaluated: 2022-01-06. Review status: criteria provided, single submitter. Criteria: Sema4 Curation Guidelines. Collection method: curation. Allele origin: germline. Not counted in ClinVar's aggregate classification.
Comment: The BRCA2 c.3847_3848delGT (p.V1283Kfs*2) variant is a well established pathogenic variant associated with breast cancer (PMID: 8589730, 22006311, 26360800, 29339979, 29752822). It is also known as 4075delGT in the literature. This variant causes a frameshift at amino acid 1283 that results in premature termination 2 amino acids downstream. At this location, the variant is predicted to cause nonsense-mediated decay and result in an absent protein (loss of function). Loss of function variants in BRCA2 are known to be pathogenic (PMID: 29446198). This variant was observed in 11/112032 chromosomes in the Non-Finnish European population, with no homozygotes, according to the Genome Aggregation Database (PMID: 27535533). This variant has been reported in ClinVar (Variation ID: 37859). Based on the current evidence available, this variant is interpreted as pathogenic.

MGZ Medical Genetics Center
Classification: Pathogenic for Breast-ovarian cancer, familial, susceptibility to, 2. Last evaluated: 2021-12-21. Review status: criteria provided, single submitter. Criteria: ACMG Guidelines, 2015. Collection method: clinical testing. Allele origin: germline. Affected: yes. Observed: 2 variant alleles. Not counted in ClinVar's aggregate classification.
Comment: ACMG criteria applied: PVS1, PS4_MOD, PM2_SUP

Institute for Clinical Genetics, University Hospital TU Dresden, University Hospital TU Dresden
Classification: Pathogenic. Last evaluated: 2021-11-03. Review status: criteria provided, single submitter. Criteria: ACMG Guidelines, 2015. Collection method: clinical testing. Allele origin: germline. Not counted in ClinVar's aggregate classification.